The following is an entry in ClinVar:

ClinVar aggregate classification (germline): Likely benign (0 of 4 stars; one submission).

Conditions:
GCM2-related disorder. Also called: GCM2-related condition.

Submission:

PreventionGenetics, part of Exact Sciences
Classification: Likely benign for GCM2-related condition. Last evaluated: 2024-09-28. Review status: no assertion criteria provided. Collection method: clinical testing. Allele origin: germline.
Comment: This variant is classified as likely benign based on ACMG/AMP sequence variant interpretation guidelines (Richards et al. 2015 PMID: 25741868, with internal and published modifications).

NM_004752.4(GCM2):c.1509T>C (p.Asn503=)

Gene: GCM2 (glial cells missing transcription factor 2; minus strand). Cytogenetic location: 6p24.2.
Variant type: single nucleotide variant.
Coding change: c.1509T>C on transcript NM_004752.4 (MANE Select); coding-DNA position 1509, T replaced by C.
Protein change: p.Asn503=; no amino-acid change (asparagine 503 retained).
Molecular consequence: synonymous variant.
Genome position (GRCh38, 1-based): chr6:10,874,007, A>G on the plus strand (T>C on the coding strand, the complement: GCM2 is on the minus strand). VCF-style: chr6-10874007-A-G. GRCh37 (hg19) VCF-style: chr6-10874240-A-G.
Identifiers: ClinVar variation 3344220 (VCV003344220.1).